The following is an entry in ClinVar:

ClinVar aggregate classification (germline): Uncertain significance (1 of 4 stars; one submission).

Conditions:
Hyperekplexia 3 (HKPX3). Also called: HYPEREKPLEXIA 3, AUTOSOMAL RECESSIVE; HYPEREKPLEXIA 3, AUTOSOMAL DOMINANT. Identifiers: Orphanet 3197, MedGen C3553288, MONDO:0013827, OMIM 614618.

Allele frequency attached by ClinVar (database versions not stated): gnomAD exomes below 0.00001.
gnomAD v4.1: 2 of 1,614,214 alleles (0.00012%); highest among the groups gnomAD compares: Non-Finnish European, 0.00017%; no homozygotes.

Submission:

Labcorp Genetics (formerly Invitae), Labcorp
Classification: Uncertain significance for Hyperekplexia 3. Last evaluated: 2022-06-27. Review status: criteria provided, single submitter. Criteria: Invitae Variant Classification Sherloc (09022015). Collection method: clinical testing. Allele origin: germline.
Comment: This variant is not present in population databases (gnomAD no frequency). This sequence change replaces isoleucine, which is neutral and non-polar, with valine, which is neutral and non-polar, at codon 285 of the SLC6A5 protein (p.Ile285Val). This variant has not been reported in the literature in individuals affected with SLC6A5-related conditions. In summary, the available evidence is currently insufficient to determine the role of this variant in disease. Therefore, it has been classified as a Variant of Uncertain Significance. Advanced modeling of protein sequence and biophysical properties (such as structural, functional, and spatial information, amino acid conservation, physicochemical variation, residue mobility, and thermodynamic stability) performed at Invitae indicates that this missense variant is not expected to disrupt SLC6A5 protein function.

NM_004211.5(SLC6A5):c.853A>G (p.Ile285Val)

Gene: SLC6A5 (solute carrier family 6 member 5; plus strand). Cytogenetic location: 11p15.1.
Variant type: single nucleotide variant.
Coding change: c.853A>G on transcript NM_004211.5 (MANE Select); coding-DNA position 853, A replaced by G.
Protein change: p.Ile285Val; replaces isoleucine 285 with valine.
Molecular consequence: missense variant.
Genome position (GRCh38, 1-based): chr11:20,607,520, A>G. VCF-style: chr11-20607520-A-G. GRCh37 (hg19) VCF-style: chr11-20629066-A-G.
Other names: c.151A>G, p.Ile51Val (NM_001318369.2); short protein forms I285V, I51V.
Identifiers: ClinVar variation 1506111 (VCV001506111.4), dbSNP rs2133775414, ClinGen allele CA379914005.